The following is an entry in ClinVar:

NM_004973.4(JARID2):c.2113C>G (p.Leu705Val)

Gene: JARID2 (jumonji and AT-rich interaction domain containing 2; plus strand). Cytogenetic location: 6p22.3.
Variant type: single nucleotide variant.
Coding change: c.2113C>G on transcript NM_004973.4 (MANE Select); coding-DNA position 2113, C replaced by G.
Protein change: p.Leu705Val; replaces leucine 705 with valine.
Molecular consequence: missense variant.
Genome position (GRCh38, 1-based): chr6:15,501,074, C>G. VCF-style: chr6-15501074-C-G. GRCh37 (hg19) VCF-style: chr6-15501305-C-G.
Other names: c.1597C>G, p.Leu533Val (NM_001267040.1); short protein forms L533V, L705V.
Identifiers: ClinVar variation 2507037 (VCV002507037.1), dbSNP rs2533131643, ClinGen allele CA362798403.

ClinVar aggregate classification (germline): Uncertain significance (1 of 4 stars; one submission).

Submission:

GeneDx
Classification: Uncertain significance. Last evaluated: 2023-01-03. Review status: criteria provided, single submitter. Criteria: GeneDx Variant Classification Process June 2021. Collection method: clinical testing. Allele origin: germline. Affected: yes.
Comment: Not observed at significant frequency in large population cohorts (gnomAD); In silico analysis supports that this missense variant has a deleterious effect on protein structure/function; Has not been previously published as pathogenic or benign to our knowledge